The following is an entry in ClinVar:

ClinVar aggregate classification (germline): Benign (1 of 4 stars; one submission).

Allele frequency attached by ClinVar (database versions not stated): gnomAD 0.36724 and 0.37584; TOPMed 0.37246; 1000 Genomes Project 30x 0.37664; 1000 Genomes Project 0.39077.
gnomAD v4.1: 57,540 of 152,164 alleles (38%); highest among the groups gnomAD compares: East Asian, 60%; 12,782 homozygotes.

Submission:

GeneDx
Classification: Benign. Last evaluated: 2018-06-14. Review status: criteria provided, single submitter. Criteria: GeneDx Variant Classification (06012015). Collection method: clinical testing. Allele origin: germline. Affected: yes.
Comment: This variant is considered likely benign or benign based on one or more of the following criteria: it is a conservative change, it occurs at a poorly conserved position in the protein, it is predicted to be benign by multiple in silico algorithms, and/or has population frequency not consistent with disease.

NM_015404.4(WHRN):c.963+206G>A

Gene: WHRN (whirlin; minus strand). Cytogenetic location: 9q32.
Variant type: single nucleotide variant.
Coding change: c.963+206G>A on transcript NM_015404.4 (MANE Select); 206 bases into the intron after coding-DNA position 963, G replaced by A.
Molecular consequence: intron variant.
Genome position (GRCh38, 1-based): chr9:114,466,061, C>T on the plus strand (G>A on the coding strand, the complement: WHRN is on the minus strand). VCF-style: chr9-114466061-C-T. GRCh37 (hg19) VCF-style: chr9-117228341-C-T.
Other names: c.963+206G>A (NM_001173425.2); c.-187+206G>A (NM_001083885.3).
Identifiers: ClinVar variation 678789 (VCV000678789.1), dbSNP rs1535970, ClinGen allele CA12968793.
Genomic context (GRCh38, chr9:114,466,061, plus strand): 5'-CTGAGGTCAGGGCCACCACAGGCCATCAGCAGTGTTTGCAAAACAGCAGCACGACAAGTT[C>T]GGGCTGGCCTGCTGCCCACACTGCGTAGGCGGCCACCCCGCTGCTGCTGTGAGCTGTGAA-3'